The following is an entry in ClinVar:

ClinVar aggregate classification (germline): Uncertain significance (1 of 4 stars; one submission).

Conditions:
Hereditary cancer-predisposing syndrome. Also called: Tumor predisposition; Hereditary neoplastic syndrome; Hereditary Cancer Syndrome; Neoplastic Syndromes, Hereditary. Identifiers: Orphanet 140162, MedGen C0027672, MeSH D009386, MONDO:0015356.

Submission:

Ambry Genetics
Classification: Uncertain significance for Hereditary cancer-predisposing syndrome. Last evaluated: 2026-03-04. Review status: criteria provided, single submitter. Criteria: Ambry Variant Classification Scheme 2023. Collection method: clinical testing. Allele origin: germline.
Comment: The c.540+4_540+10delATTAGTC intronic variant begins 4 nucleotides after coding exon 5 in the SDHB gene. This variant results from a deletion of 7 nucleotides at positions c.540+4 to c.540+10. These nucleotide positions are not well conserved in available vertebrate species. In silico splice site analysis for this alteration is inconclusive. This variant was reported in individual(s) with features consistent with SDHB-related hereditary pheochromocytoma-paraganglioma (Ambry internal data). Based on the available evidence, the clinical significance of this variant remains unclear.

NM_003000.3(SDHB):c.540+4_540+10del

Gene: SDHB (succinate dehydrogenase complex iron sulfur subunit B; minus strand). Cytogenetic location: 1p36.13.
Variant type: Deletion.
Coding change: c.540+4_540+10del on transcript NM_003000.3 (MANE Select); bases 4 to 10 of the intron after coding-DNA position 540, 7 bases deleted (ATTAGTC; older notation c.540+4_540+10delATTAGTC).
Molecular consequence: splice donor variant.
Genome position (GRCh38, 1-based): chr1:17,027,739-17,027,745, GACTAAT deleted on the plus strand (ATTAGTC on the coding strand, the reverse complement: SDHB is on the minus strand); deleting any 7 consecutive bases within chr1:17,027,739-17,027,748 gives the same sequence; the c. name uses the placement nearest the transcript's 3' end. VCF-style (leftmost placement, unchanged base first): chr1-17027738-GGACTAAT-G. GRCh37 (hg19) VCF-style: chr1-17354233-GGACTAAT-G.
Other names: c.540+4_540+10delATTAGTC (NM_003000.2).
Identifiers: ClinVar variation 229669 (VCV000229669.6), dbSNP rs876658132, ClinGen allele CA10577674.